The following is an entry in ClinVar:

NM_001267550.2(TTN):c.45741_45744dup (p.Asp15249delinsIleTer)

Gene: TTN (titin; minus strand). Cytogenetic location: 2q31.2.
Variant type: Duplication.
Coding change: c.45741_45744dup on transcript NM_001267550.2 (MANE Select); coding-DNA positions 45741 to 45744, 4 bases duplicated (ATTT; older notation c.45741_45744dupATTT).
Protein change: p.Asp15249delinsIleTer.
Molecular consequence: nonsense.
Genome position (GRCh38, 1-based): chr2:178,620,866-178,620,869, AAAT duplicated on the plus strand (ATTT on the coding strand, the reverse complement: TTN is on the minus strand); duplicating any 4 consecutive bases within chr2:178,620,866-178,620,870 gives the same sequence; the c. name uses the placement nearest the transcript's 3' end. VCF-style (leftmost placement, unchanged base first): chr2-178620865-C-CAAAT. GRCh37 (hg19) VCF-style: chr2-179485592-C-CAAAT.
Other names: c.40818_40821dup, p.Asp13608delinsIleTer (NM_001256850.1); c.18546_18549dup, p.Asp6184delinsIleTer (NM_003319.4); c.38037_38040dup, p.Asp12681delinsIleTer (NM_133378.4); c.18921_18924dup, p.Asp6309delinsIleTer (NM_133432.3); c.19122_19125dup, p.Asp6376delinsIleTer (NM_133437.4).
Identifiers: ClinVar variation 3758051 (VCV003758051.2).

ClinVar aggregate classification (germline): Likely pathogenic (1 of 4 stars; one submission).

Conditions:
Dilated cardiomyopathy 1G (CMD1G). Identifiers: Orphanet 154, MedGen C1858763, MONDO:0011400, OMIM 604145.
Autosomal recessive limb-girdle muscular dystrophy type 2J (LGMDR10). Also called: Limb-girdle muscular dystrophy, type 2J; MUSCULAR DYSTROPHY, LIMB-GIRDLE, AUTOSOMAL RECESSIVE 10. Identifiers: Orphanet 140922, MedGen C1837342, MONDO:0012127, OMIM 608807.

Submission:

Labcorp Genetics (formerly Invitae), Labcorp
Classification: Likely pathogenic for Dilated cardiomyopathy 1G; Autosomal recessive limb-girdle muscular dystrophy type 2J. Last evaluated: 2025-09-23. Review status: criteria provided, single submitter. Criteria: Invitae Variant Classification Sherloc (09022015). Collection method: clinical testing. Allele origin: germline.
Comment: This sequence change creates a premature translational stop signal (p.Asp15249delinsIle*) in the TTN gene. While this is not anticipated to result in nonsense mediated decay, it is expected to create a truncated TTN protein. This variant is not present in population databases (gnomAD no frequency). This variant has not been observed in the literature in individuals with autosomal recessive TTN-related conditions. This variant has been reported in individual(s) with autosomal dominant dilated cardiomyopathy (internal data); however, the role of the variant in this condition is currently unclear. ClinVar contains an entry for this variant (Variation ID: 3758051). This variant is located in the I band of TTN (PMID: 25589632). Truncating variants in this region have been reported in individuals affected with autosomal recessive centronuclear myopathy (PMID: 23975875, internal data). Truncating variants in this region have also been identified in individuals affected with autosomal dominant dilated cardiomyopathy and/or cardio-related conditions (PMID: 27869827, 32964742, internal data). In summary, the currently available evidence indicates that the variant is pathogenic, but additional data are needed to prove that conclusively. Therefore, this variant has been classified as Likely Pathogenic.

Literature cited by the submitters: PubMed 25589632; PubMed 23975875; PubMed 27869827; PubMed 32964742.